The following is an entry in ClinVar:

ClinVar aggregate classification (germline): Likely benign (0 of 4 stars; one submission).

Conditions:
GRAMD1B-related disorder. Also called: GRAMD1B-related condition.

Allele frequency attached by ClinVar (database versions not stated): ExAC 0.00005; gnomAD 0.00011; TOPMed 0.00011; ESP Exome Variant Server 0.00016.
gnomAD v4.1: 112 of 1,613,524 alleles (0.0069%); highest among the groups gnomAD compares: African/African-American, 0.015%; no homozygotes.

Submission:

PreventionGenetics, part of Exact Sciences
Classification: Likely benign for GRAMD1B-related condition. Last evaluated: 2019-06-18. Review status: no assertion criteria provided. Collection method: clinical testing. Allele origin: germline.
Comment: This variant is classified as likely benign based on ACMG/AMP sequence variant interpretation guidelines (Richards et al. 2015 PMID: 25741868, with internal and published modifications).

NM_001387025.1(GRAMD1B):c.1777-5C>T

Gene: GRAMD1B (GRAM domain containing 1B; plus strand). Cytogenetic location: 11q24.1.
Variant type: single nucleotide variant.
Coding change: c.1777-5C>T on transcript NM_001387025.1 (MANE Select); 5 bases into the intron before coding-DNA position 1777, C replaced by T.
Molecular consequence: intron variant.
Genome position (GRCh38, 1-based): chr11:123,610,191, C>T. VCF-style: chr11-123610191-C-T. GRCh37 (hg19) VCF-style: chr11-123480899-C-T.
Other names: c.1645-5C>T (NM_001367421.2); c.1429-5C>T (NM_001367420.2, NM_001367419.2, NM_001367418.2); c.1777-5C>T (NM_001387024.1); c.1774-5C>T (NM_001387026.1); c.1228-5C>T (NM_001387034.1, NM_001387030.1, NM_001387032.1 and 5 more transcripts); c.1369-5C>T (NM_001286563.3); c.1348-5C>T (NM_001387028.1, NM_020716.4, NM_001387029.1).
Identifiers: ClinVar variation 3034394 (VCV003034394.2), dbSNP rs374187128, ClinGen allele CA6333699.
Genomic context (GRCh38, chr11:123,610,191, plus strand): 5'-GAAGGTGCTTTTCCAAGCTTCTTGCTCCTCTTCAGTTTTGTCCAATGGACCTTTCCTGCC[C>T]GCAGACCATGTACAAGGCGAGCCAGGAGAGTGAATGTTACGTGATAGATGCCGAAGTCCT-3'